The following is an entry in ClinVar:

NM_000535.7(PMS2):c.55G>T (p.Asp19Tyr)

Gene: PMS2 (PMS1 homolog 2, mismatch repair system component; minus strand). Cytogenetic location: 7p22.1.
Variant type: single nucleotide variant.
Coding change: c.55G>T on transcript NM_000535.7 (MANE Select); coding-DNA position 55, G replaced by T.
Protein change: p.Asp19Tyr; replaces aspartic acid 19 with tyrosine.
Molecular consequence: missense variant. On other transcripts: 5 prime UTR variant (8), non-coding transcript variant (1), intron variant (3).
Genome position (GRCh38, 1-based): chr7:6,006,000, C>A on the plus strand (G>T on the coding strand, the complement: PMS2 is on the minus strand). VCF-style: chr7-6006000-C-A. GRCh37 (hg19) VCF-style: chr7-6045631-C-A.
Other names: c.-351G>T (NM_001322003.2, NM_001322005.2, NM_001322009.2 and 1 more transcripts); c.55G>T, p.Asp19Tyr (NM_001322006.2, NM_001322014.2); c.-161G>T (NM_001322007.2); c.-830G>T (NM_001322011.2, NM_001322012.2); c.-430G>T (NM_001322015.2); c.-52-1942G>T (NM_001322008.2); c.-242-1942G>T (NM_001322010.2, NM_001322004.2); short protein forms D19Y.
Identifiers: ClinVar variation 1507597 (VCV001507597.11), dbSNP rs1554306568, ClinGen allele CA366745144.
Genomic context (GRCh38, chr7:6,006,000, plus strand): 5'-CCGCAGTGCTTAGACTCAGTACCACCTGCCCAGAGCAAATCTGATGGACTGACTTCCGAT[C>A]AATAGGTTTGATGGCCTTAGCAGGTTCTGTACTAGAGAAATCAGTTACAAGAAACAAATC-3'
Protein context (NP_000526.2, residues 9-29): TEPAKAIKPI[Asp19Tyr]RKSVHQICSG

ClinVar aggregate classification (germline): Uncertain significance. Review status: criteria provided, multiple submitters, no conflicts (2 of 4 stars). 3 submissions from 3 submitters: Uncertain significance (3). Last evaluated 2024-04-24.

Conditions:
Hereditary cancer-predisposing syndrome. Also called: Hereditary neoplastic syndrome; Neoplastic Syndromes, Hereditary; Tumor predisposition; Hereditary Cancer Syndrome. Identifiers: Orphanet 140162, MedGen C0027672, MeSH D009386, MONDO:0015356.
Hereditary nonpolyposis colorectal neoplasms. Identifiers: MedGen C0009405, MeSH D003123.
Lynch syndrome 4 (LYNCH4). Also called: Hereditary non-polyposis colorectal cancer, type 4; Colorectal cancer, hereditary nonpolyposis, type 4. Identifiers: Orphanet 144, MedGen C1838333, MONDO:0013699, OMIM 614337. Disease mechanism: loss of function.

Submissions (3):

Labcorp Genetics (formerly Invitae), Labcorp
Classification: Uncertain significance for Hereditary nonpolyposis colorectal neoplasms. Last evaluated: 2024-04-24. Review status: criteria provided, single submitter. Criteria: Invitae Variant Classification Sherloc (09022015). Collection method: clinical testing. Allele origin: germline.
Comment: This sequence change replaces aspartic acid, which is acidic and polar, with tyrosine, which is neutral and polar, at codon 19 of the PMS2 protein (p.Asp19Tyr). This variant is not present in population databases (gnomAD no frequency). This variant has not been reported in the literature in individuals affected with PMS2-related conditions. ClinVar contains an entry for this variant (Variation ID: 1507597). Advanced modeling of protein sequence and biophysical properties (such as structural, functional, and spatial information, amino acid conservation, physicochemical variation, residue mobility, and thermodynamic stability) performed at Invitae indicates that this missense variant is expected to disrupt PMS2 protein function with a positive predictive value of 80%. In summary, the available evidence is currently insufficient to determine the role of this variant in disease. Therefore, it has been classified as a Variant of Uncertain Significance.

Baylor Genetics
Classification: Uncertain significance for Lynch syndrome 4. Last evaluated: 2023-11-26. Review status: criteria provided, single submitter. Criteria: ACMG Guidelines, 2015. Collection method: clinical testing. Allele origin: unknown.

Ambry Genetics
Classification: Uncertain significance for Hereditary cancer-predisposing syndrome. Last evaluated: 2023-10-25. Review status: criteria provided, single submitter. Criteria: Ambry Variant Classification Scheme 2023. Collection method: clinical testing. Allele origin: germline.
Comment: The p.D19Y variant (also known as c.55G>T), located in coding exon 2 of the PMS2 gene, results from a G to T substitution at nucleotide position 55. The aspartic acid at codon 19 is replaced by tyrosine, an amino acid with highly dissimilar properties. This amino acid position is highly conserved in available vertebrate species. In addition, this alteration is predicted to be deleterious by in silico analysis. Since supporting evidence is limited at this time, the clinical significance of this alteration remains unclear.